The following is an entry in ClinVar:

ClinVar aggregate classification (germline): Uncertain significance (1 of 4 stars; one submission).

Allele frequency attached by ClinVar (database versions not stated): TOPMed 0.00007; gnomAD 0.00009; gnomAD exomes 0.00024; ExAC 0.00059; 1000 Genomes Project 0.00060; 1000 Genomes Project 30x 0.00062.
gnomAD v4.1: 362 of 1,614,014 alleles (0.022%); highest among the groups gnomAD compares: South Asian, 0.36%; 5 homozygotes.

Submission:

Ambry Genetics
Classification: Uncertain significance. Last evaluated: 2024-09-30. Review status: criteria provided, single submitter. Criteria: Ambry Variant Classification Scheme 2023. Collection method: clinical testing. Allele origin: germline.
Comment: The p.A95T variant (also known as c.283G>A), located in coding exon 3 of the NQO1 gene, results from a G to A substitution at nucleotide position 283. The alanine at codon 95 is replaced by threonine, an amino acid with similar properties. This amino acid position is conserved. In addition, the in silico prediction for this alteration is inconclusive. Since supporting evidence is limited at this time, the clinical significance of this alteration remains unclear.

NM_000903.3(NQO1):c.283G>A (p.Ala95Thr)

Gene: NQO1 (NAD(P)H quinone dehydrogenase 1; minus strand). Cytogenetic location: 16q22.1.
Variant type: single nucleotide variant.
Coding change: c.283G>A on transcript NM_000903.3 (MANE Select); coding-DNA position 283, G replaced by A.
Protein change: p.Ala95Thr; replaces alanine 95 with threonine.
Molecular consequence: missense variant.
Genome position (GRCh38, 1-based): chr16:69,718,143, C>T on the plus strand (G>A on the coding strand, the complement: NQO1 is on the minus strand). VCF-style: chr16-69718143-C-T. GRCh37 (hg19) VCF-style: chr16-69752046-C-T.
Other names: c.283G>A, p.Ala95Thr (NM_001025433.2, NM_001025434.2, NM_001286137.2); short protein forms A95T.
Identifiers: ClinVar variation 1796701 (VCV001796701.3), dbSNP rs541026990, ClinGen allele CA8136269.